The following is an entry in ClinVar:

ClinVar aggregate classification (germline): Uncertain significance (1 of 4 stars; one submission).

Submission:

Labcorp Genetics (formerly Invitae), Labcorp
Classification: Uncertain significance. Last evaluated: 2025-09-09. Review status: criteria provided, single submitter. Criteria: Invitae Variant Classification Sherloc (09022015). Collection method: clinical testing. Allele origin: germline.
Comment: This sequence change replaces threonine, which is neutral and polar, with isoleucine, which is neutral and non-polar, at codon 557 of the MACF1 protein (p.Thr557Ile). This variant is present in population databases (no rsID available, gnomAD 0.0009%). This variant has not been reported in the literature in individuals affected with MACF1-related conditions. An algorithm developed to predict the effect of missense changes on protein structure and function (PolyPhen-2) suggests that this variant is likely to be tolerated. In summary, the available evidence is currently insufficient to determine the role of this variant in disease. Therefore, it has been classified as a Variant of Uncertain Significance.

NM_001394062.1(MACF1):c.1655C>T (p.Thr552Ile)

Gene: MACF1 (microtubule actin crosslinking factor 1; plus strand). Cytogenetic location: 1p34.3.
Variant type: single nucleotide variant.
Coding change: c.1655C>T on transcript NM_001394062.1 (MANE Select); coding-DNA position 1655, C replaced by T.
Protein change: p.Thr552Ile; replaces threonine 552 with isoleucine.
Molecular consequence: missense variant.
Genome position (GRCh38, 1-based): chr1:39,287,432, C>T. VCF-style: chr1-39287432-C-T. GRCh37 (hg19) VCF-style: chr1-39753104-C-T.
Other names: c.1670C>T, p.Thr557Ile (NM_012090.5); short protein forms T552I, T557I.
Identifiers: ClinVar variation 4773914 (VCV004773914.1).